The following is an entry in ClinVar:

NM_001375567.1(FOCAD):c.511A>G (p.Ile171Val)

Gene: FOCAD (focadhesin; plus strand). Cytogenetic location: 9p21.3.
Variant type: single nucleotide variant.
Coding change: c.511A>G on transcript NM_001375567.1 (MANE Select); coding-DNA position 511, A replaced by G.
Protein change: p.Ile171Val; replaces isoleucine 171 with valine.
Molecular consequence: missense variant.
Genome position (GRCh38, 1-based): chr9:20,764,885, A>G. VCF-style: chr9-20764885-A-G. GRCh37 (hg19) VCF-style: chr9-20764884-A-G.
Other names: c.511A>G, p.Ile171Val (NM_001375568.1, NM_017794.5); c.406A>G, p.Ile136Val (NM_001375570.1); short protein forms I136V, I171V.
Identifiers: ClinVar variation 4713563 (VCV004713563.1).
Genomic context (GRCh38, chr9:20,764,885, plus strand): 5'-TGTGTTTAACTCAATAACTGGCTAATGTATTTCATGTCTTATAGGTTAGAAGTTTCATGC[A>G]TTCAAATAATGGCACCATTTCTGTGGTATCTGTATTGTGAACCATCTCAGTTACAAGAAT-3'
Protein context (NP_001362496.1, residues 161-181): QCPERLEVSC[Ile171Val]QIMAPFLWYL

ClinVar aggregate classification (germline): Uncertain significance (1 of 4 stars; one submission).

gnomAD v4.1: 1 of 1,613,918 alleles (0.000062%); highest among the groups gnomAD compares: South Asian, 0.0011%; no homozygotes.

Submission:

Labcorp Genetics (formerly Invitae), Labcorp
Classification: Uncertain significance. Last evaluated: 2025-02-20. Review status: criteria provided, single submitter. Criteria: Invitae Variant Classification Sherloc (09022015). Collection method: clinical testing. Allele origin: germline.
Comment: This sequence change replaces isoleucine, which is neutral and non-polar, with valine, which is neutral and non-polar, at codon 171 of the FOCAD protein (p.Ile171Val). This variant is not present in population databases (gnomAD no frequency). This variant has not been reported in the literature in individuals affected with FOCAD-related conditions. An algorithm developed to predict the effect of missense changes on protein structure and function outputs the following: PolyPhen-2: "Not Available". The valine amino acid residue is found in multiple mammalian species, which suggests that this missense change does not adversely affect protein function. In summary, the available evidence is currently insufficient to determine the role of this variant in disease. Therefore, it has been classified as a Variant of Uncertain Significance.